The following is an entry in ClinVar:

ClinVar aggregate classification (germline): Benign/Likely benign. Review status: criteria provided, multiple submitters, no conflicts (2 of 4 stars). 11 submissions from 11 submitters: Benign (6); Likely benign (5). Last evaluated 2026-02-03.

Conditions:
Renal cell carcinoma. Identifiers: Orphanet 217071, MedGen C0007134, MeSH D002292, MONDO:0005086, HP:0005584.
Arthrogryposis, distal, IIa 11. Also called: Arthrogryposis, distal, type 11. Identifiers: MedGen C5774205, MONDO:0031045, OMIM 620019.
Papillary renal cell carcinoma type 1 (RCCP1). Also called: Renal adenocarcinoma; Renal cell carcinoma 1; Renal cell carcinoma, somatic; RENAL CELL CARCINOMA, PAPILLARY, 1, SOMATIC. Identifiers: Orphanet 47044, MedGen C1336839, OMIM 605074, HP:0011797.
Osteofibrous dysplasia (OSFD). Also called: Tibia, bowing of, with pseudarthrosis and pectus excavatum. Identifiers: Orphanet 488265, MedGen C4085248, MONDO:0011806, OMIM 607278.
Hepatocellular carcinoma (HCC). Also called: Primary carcinoma of liver; HEPATOMA; LIVER CELL CARCINOMA. Identifiers: Orphanet 88673, MedGen C2239176, MONDO:0007256, OMIM 114550, HP:0001402.
Autosomal recessive nonsyndromic hearing loss 97. Also called: Deafness, autosomal recessive 97. Identifiers: Orphanet 90636, MedGen C4084709, MONDO:0014739, OMIM 616705.
Hereditary cancer-predisposing syndrome. Also called: Hereditary neoplastic syndrome; Neoplastic Syndromes, Hereditary; Hereditary Cancer Syndrome; Tumor predisposition. Identifiers: Orphanet 140162, MedGen C0027672, MeSH D009386, MONDO:0015356.

Allele frequency attached by ClinVar (database versions not stated): gnomAD 0.00153; TOPMed 0.00159; ESP Exome Variant Server 0.00166; 1000 Genomes Project 0.00180; 1000 Genomes Project 30x 0.00187.
gnomAD v4.1: 415 of 1,614,088 alleles (0.026%); highest among the groups gnomAD compares: African/African-American, 0.51%; 3 homozygotes.

Submissions (11):

Labcorp Genetics (formerly Invitae), Labcorp
Classification: Benign for Renal cell carcinoma. Last evaluated: 2026-02-03. Review status: criteria provided, single submitter. Criteria: Invitae Variant Classification Sherloc (09022015). Collection method: clinical testing. Allele origin: germline.

Center for Genomic Medicine, Rigshospitalet, Copenhagen University Hospital
Classification: Likely benign. Last evaluated: 2025-03-04. Review status: criteria provided, single submitter. Criteria: ACMG Guidelines, 2015. Collection method: clinical testing. Allele origin: germline.

Myriad Genetics, Inc.
Classification: Benign for Papillary renal cell carcinoma type 1. Last evaluated: 2024-11-06. Review status: criteria provided, single submitter. Criteria: Myriad Autosomal Dominant, Autosomal Recessive and X-Linked Classification Criteria (2023). Collection method: clinical testing. Allele origin: unknown.
Comment: This variant is considered benign. This variant is a silent/synonymous amino acid change and it is not expected to impact splicing.

Blueprint Genetics
Classification: Likely benign. Last evaluated: 2024-10-02. Review status: criteria provided, single submitter. Criteria: ACMG Guidelines, 2015. Collection method: clinical testing. Allele origin: germline.

Department of Pathology and Laboratory Medicine, Sinai Health System
Classification: Benign for Hepatocellular carcinoma; Papillary renal cell carcinoma type 1; Osteofibrous dysplasia; Autosomal recessive nonsyndromic hearing loss 97; Arthrogryposis, distal, IIa 11. Last evaluated: 2023-06-09. Review status: criteria provided, single submitter. Criteria: ACMG Guidelines, 2015. Collection method: clinical testing. Allele origin: germline. Affected: no.

Sema4
Classification: Benign for Hereditary cancer-predisposing syndrome. Last evaluated: 2020-12-01. Review status: criteria provided, single submitter. Criteria: Sema4 Curation Guidelines. Collection method: curation. Allele origin: germline.

GeneDx
Classification: Likely benign. Last evaluated: 2018-02-27. Review status: criteria provided, single submitter. Criteria: GeneDx Variant Classification (06012015). Collection method: clinical testing. Allele origin: germline. Affected: yes.
Comment: This variant is considered likely benign or benign based on one or more of the following criteria: it is a conservative change, it occurs at a poorly conserved position in the protein, it is predicted to be benign by multiple in silico algorithms, and/or has population frequency not consistent with disease.

Women's Health and Genetics/Laboratory Corporation of America, LabCorp
Classification: Benign. Last evaluated: 2017-12-04. Review status: criteria provided, single submitter. Criteria: LabCorp Variant Classification Summary - May 2015. Collection method: clinical testing. Allele origin: germline.
Comment: Variant summary: The MET c.654G>A (p.Arg218Arg) variant involves the alteration of a non-conserved nucleotide located in the Sema domain (IPR001627) (InterPro), resulting in a synonymous change. One in silico tool predicts a damaging outcome for this variant. 5/5 splice prediction tools predict no significant impact on normal splicing. However, these predictions have yet to be confirmed by functional studies. This variant was found in 125/276368 control chromosomes (1 homozygote; gnomAD) at a frequency of 0.0004523, which is approximately 302 times the estimated maximal expected allele frequency of a pathogenic MET variant (0.0000015), suggesting this variant is likely a benign polymorphism. In addition, multiple clinical diagnostic laboratories/reputable databases classified this variant as benign. Taken together, this variant is classified as benign.

Ambry Genetics
Classification: Likely benign for Hereditary cancer-predisposing syndrome. Last evaluated: 2015-03-23. Review status: criteria provided, single submitter. Criteria: Ambry Variant Classification Scheme 2023. Collection method: clinical testing. Allele origin: germline.

Eurofins Ntd Llc (ga)
Classification: Benign. Last evaluated: 2012-09-26. Review status: criteria provided, single submitter. Criteria: EGL Classification Definitions 2015. Collection method: clinical testing. Allele origin: germline. Observed: 1 variant allele, 1 heterozygote.

Breakthrough Genomics
Classification: Likely benign. Review status: criteria provided, single submitter. Criteria: ACMG Guidelines, 2015. Collection method: not provided. Allele origin: germline. Inheritance: Autosomal recessive inheritance. Affected: yes.

Literature cited by the submitters: PubMed 17088437 (cited by Women's Health and Genetics/Laboratory Corporation of America, LabCorp).

NM_000245.4(MET):c.654G>A (p.Arg218=)

Gene: MET (MET proto-oncogene, receptor tyrosine kinase; plus strand). Cytogenetic location: 7q31.2.
Variant type: single nucleotide variant.
Coding change: c.654G>A on transcript NM_000245.4 (MANE Select); coding-DNA position 654, G replaced by A.
Protein change: p.Arg218=; no amino-acid change (arginine 218 retained).
Molecular consequence: synonymous variant. On other transcripts: intron variant (1).
Genome position (GRCh38, 1-based): chr7:116,699,738, G>A. VCF-style: chr7-116699738-G-A. GRCh37 (hg19) VCF-style: chr7-116339792-G-A.
Other names: c.654G>A, p.Arg218= (NM_001127500.3, NM_001324401.3); c.-91+27161G>A (NM_001324402.2).
Identifiers: ClinVar variation 93579 (VCV000093579.27), dbSNP rs35284565, ClinGen allele CA147105.